The following is an entry in ClinVar:

ClinVar aggregate classification (germline): Likely benign. Review status: criteria provided, multiple submitters, no conflicts (2 of 4 stars). 2 submissions from 2 submitters: Likely benign (2). Last evaluated 2025-06-05.

Conditions:
Tuberous sclerosis 2 (TSC2). Identifiers: Orphanet 805, MedGen C1860707, MONDO:0013199, OMIM 613254.

Allele frequency attached by ClinVar (database versions not stated): TOPMed below 0.00001; gnomAD 0.00001.
gnomAD v4.1: 1 of 1,611,740 alleles (0.000062%); highest among the groups gnomAD compares: Non-Finnish European, 0.000085%; no homozygotes.

Submissions (2):

Myriad Genetics, Inc.
Classification: Likely benign for Tuberous sclerosis 2. Last evaluated: 2025-06-05. Review status: criteria provided, single submitter. Criteria: Myriad Autosomal Dominant, Autosomal Recessive and X-Linked Classification Criteria (2023). Collection method: clinical testing. Allele origin: unknown.
Comment: This variant is considered likely benign. This variant is intronic and is not expected to impact mRNA splicing.

Labcorp Genetics (formerly Invitae), Labcorp
Classification: Likely benign for Tuberous sclerosis 2. Last evaluated: 2025-02-25. Review status: criteria provided, single submitter. Criteria: Invitae Variant Classification Sherloc (09022015). Collection method: clinical testing. Allele origin: germline.

NM_000548.5(TSC2):c.5069-12A>G

Gene: TSC2 (TSC complex subunit 2; plus strand). Cytogenetic location: 16p13.3.
Variant type: single nucleotide variant.
Coding change: c.5069-12A>G on transcript NM_000548.5 (MANE Select); 12 bases into the intron before coding-DNA position 5069, A replaced by G.
Molecular consequence: intron variant.
Genome position (GRCh38, 1-based): chr16:2,088,036, A>G. VCF-style: chr16-2088036-A-G. GRCh37 (hg19) VCF-style: chr16-2138037-A-G.
Other names: c.3527-12A>G (NM_001406693.1, NM_001406692.1, NM_001406694.1); c.4961-12A>G (NM_001406667.1); c.4958-12A>G (NM_001406668.1); c.4469-12A>G (NM_001406680.1); c.4400-12A>G (NM_001406683.1, NM_001406682.1); c.4268-12A>G (NM_001406687.1, NM_001406688.1); c.3656-12A>G (NM_001406689.1); c.3596-12A>G (NM_001406690.1); and 26 more.
Identifiers: ClinVar variation 2828307 (VCV002828307.4), dbSNP rs1279354127, ClinGen allele CA718904490.